The following is an entry in ClinVar:

ClinVar aggregate classification (germline): Uncertain significance (1 of 4 stars; one submission).

Allele frequency attached by ClinVar (database versions not stated): gnomAD exomes 0.00002.
gnomAD v4.1: 19 of 1,211,550 alleles (0.0016%); highest among the groups gnomAD compares: Non-Finnish European, 0.0021%; no homozygotes.

Submission:

Labcorp Genetics (formerly Invitae), Labcorp
Classification: Uncertain significance. Last evaluated: 2022-03-20. Review status: criteria provided, single submitter. Criteria: Invitae Variant Classification Sherloc (09022015). Collection method: clinical testing. Allele origin: germline.
Comment: In summary, the available evidence is currently insufficient to determine the role of this variant in disease. Therefore, it has been classified as a Variant of Uncertain Significance. Algorithms developed to predict the effect of missense changes on protein structure and function are either unavailable or do not agree on the potential impact of this missense change (SIFT: "Deleterious"; PolyPhen-2: "Benign"; Align-GVGD: "Class C35"). This variant has not been reported in the literature in individuals affected with NEXMIF-related conditions. This variant is not present in population databases (gnomAD no frequency). This sequence change replaces proline, which is neutral and non-polar, with threonine, which is neutral and polar, at codon 797 of the NEXMIF protein (p.Pro797Thr).

NM_001008537.3(NEXMIF):c.2389C>A (p.Pro797Thr)

Gene: NEXMIF (neurite extension and migration factor; minus strand). Cytogenetic location: Xq13.3.
Variant type: single nucleotide variant.
Coding change: c.2389C>A on transcript NM_001008537.3 (MANE Select); coding-DNA position 2389, C replaced by A.
Protein change: p.Pro797Thr; replaces proline 797 with threonine.
Molecular consequence: missense variant.
Genome position (GRCh38, 1-based): chrX:74,742,168, G>T on the plus strand (C>A on the coding strand, the complement: NEXMIF is on the minus strand). VCF-style: chrX-74742168-G-T. GRCh37 (hg19) VCF-style: chrX-73962003-G-T.
Other names: short protein forms P797T.
Identifiers: ClinVar variation 1933678 (VCV001933678.5), dbSNP rs2519914027, ClinGen allele CA413668326.